The following is an entry in ClinVar:

ClinVar aggregate classification (germline): Likely benign. Review status: criteria provided, single submitter (1 of 4 stars). 2 submissions from 2 submitters: Likely benign (1). 1 of the submissions does not count toward it. Last evaluated 2025-07-30.

Conditions:
AHI1-related disorder. Also called: AHI1-related condition.
Joubert syndrome. Also called: CEREBELLOPARENCHYMAL DISORDER IV; JOUBERT-BOLTSHAUSER SYNDROME; Familial aplasia of the vermis. Identifiers: Orphanet 475, MedGen C5979921, MONDO:0018772.

Allele frequency attached by ClinVar (database versions not stated): gnomAD 0.00003; TOPMed 0.00003; ESP Exome Variant Server 0.00008; gnomAD exomes 0.00001; ExAC 0.00002.
gnomAD v4.1: 26 of 1,613,668 alleles (0.0016%); highest among the groups gnomAD compares: Non-Finnish European, 0.0019%; no homozygotes.

Submissions (2):

Labcorp Genetics (formerly Invitae), Labcorp
Classification: Likely benign for Joubert syndrome. Last evaluated: 2025-07-30. Review status: criteria provided, single submitter. Criteria: Invitae Variant Classification Sherloc (09022015). Collection method: clinical testing. Allele origin: germline.

PreventionGenetics, part of Exact Sciences
Classification: Likely benign for AHI1-related condition. Last evaluated: 2022-12-01. Review status: no assertion criteria provided. Collection method: clinical testing. Allele origin: germline. Not counted in ClinVar's aggregate classification.
Comment: This variant is classified as likely benign based on ACMG/AMP sequence variant interpretation guidelines (Richards et al. 2015 PMID: 25741868, with internal and published modifications).

NM_001134831.2(AHI1):c.2922G>A (p.Thr974=)

Gene: AHI1 (Abelson helper integration site 1; minus strand). Cytogenetic location: 6q23.3.
Variant type: single nucleotide variant.
Coding change: c.2922G>A on transcript NM_001134831.2 (MANE Select); coding-DNA position 2922, G replaced by A.
Protein change: p.Thr974=; no amino-acid change (threonine 974 retained).
Molecular consequence: synonymous variant.
Genome position (GRCh38, 1-based): chr6:135,411,387, C>T on the plus strand (G>A on the coding strand, the complement: AHI1 is on the minus strand). VCF-style: chr6-135411387-C-T. GRCh37 (hg19) VCF-style: chr6-135732525-C-T.
Other names: c.2922G>A, p.Thr974= (NM_001134830.2, NM_001134832.2, NM_001350503.2 and 2 more transcripts); c.2922G>A (NM_017651.4).
Identifiers: ClinVar variation 1629732 (VCV001629732.10), dbSNP rs369365764, ClinGen allele CA4012237.
Genomic context (GRCh38, chr6:135,411,387, plus strand): 5'-AACTGCATAAAATAAACTTACTGTGACAGTTTCAAGCCTCTGTTTTACTAGCTGCATCTT[C>T]GTTGAAGAACTTTCAGTGTGGACAAATTCATCAATCTGAAAAGAGCCTTGATGGGGTAGT-3'
Protein context (NP_001128303.1, residues 964-984): DEFVHTESSS[Thr974=]KMQLVKQRLE